The following is an entry in ClinVar:

NM_152468.5(TMC8):c.1028del (p.Val343fs)

Gene: TMC8 (transmembrane channel like 8; plus strand). Cytogenetic location: 17q25.3.
Variant type: Deletion.
Coding change: c.1028del on transcript NM_152468.5 (MANE Select); coding-DNA position 1028, one base deleted (T; older notation c.1028delT).
Protein change: p.Val343fs; shifts the reading frame from valine 343.
Molecular consequence: frameshift variant.
Genome position (GRCh38, 1-based): chr17:78,134,910, T deleted. VCF-style (leftmost placement, unchanged base first): chr17-78134909-GT-G. GRCh37 (hg19) VCF-style: chr17-76130990-GT-G.
Other names: short protein forms V343fs.
Identifiers: ClinVar variation 3686340 (VCV003686340.2).

ClinVar aggregate classification (germline): Pathogenic (1 of 4 stars; one submission).

Conditions:
Epidermodysplasia verruciformis. Identifiers: Orphanet 302, MedGen C0014522, MONDO:0009176.

Submission:

Labcorp Genetics (formerly Invitae), Labcorp
Classification: Pathogenic for Epidermodysplasia verruciformis. Last evaluated: 2025-01-06. Review status: criteria provided, single submitter. Criteria: Invitae Variant Classification Sherloc (09022015). Collection method: clinical testing. Allele origin: germline.
Comment: This sequence change creates a premature translational stop signal (p.Val343Alafs*32) in the TMC8 gene. It is expected to result in an absent or disrupted protein product. Loss-of-function variants in TMC8 are known to be pathogenic (PMID: 12426567, 22158547). This variant is not present in population databases (gnomAD no frequency). This variant has not been reported in the literature in individuals affected with TMC8-related conditions. For these reasons, this variant has been classified as Pathogenic.

Literature cited by the submitters: PubMed 12426567; PubMed 22158547.